The following is an entry in ClinVar:

ClinVar aggregate classification (germline): Pathogenic (1 of 4 stars; one submission).

Conditions:
Mucolipidosis type II. Also called: Mucolipidosis 2; ML 2; Inclusion cell disease; Leroy Disease; N-acetylglucosamine 1phosphotransferase deficiency; ML disorder type 2. Identifiers: Orphanet 576, MedGen C2673377, MONDO:0009650, OMIM 252500.
Pseudo-Hurler polydystrophy. Also called: ML IIIA; Mucolipidosis III Alpha/Beta; MUCOLIPIDOSIS IIIA; ML III; ML III ALPHA/BETA; Type III Mucolipidosis. Identifiers: Orphanet 423461, Orphanet 577, MedGen C0033788, MONDO:0018931, OMIM 252600.

Submission:

Labcorp Genetics (formerly Invitae), Labcorp
Classification: Pathogenic for Pseudo-Hurler polydystrophy; Mucolipidosis type II. Last evaluated: 2019-10-24. Review status: criteria provided, single submitter. Criteria: Invitae Variant Classification Sherloc (09022015). Collection method: clinical testing. Allele origin: germline.
Comment: For these reasons, this variant has been classified as Pathogenic. Loss-of-function variants in GNPTAB are known to be pathogenic (PMID: 19617216, 25107912). This variant has not been reported in the literature in individuals with GNPTAB-related conditions. This variant is not present in population databases (ExAC no frequency). This sequence change creates a premature translational stop signal (p.Gln690Profs*58) in the GNPTAB gene. It is expected to result in an absent or disrupted protein product.

Literature cited by the submitters: PubMed 19617216; PubMed 25107912.

NM_024312.5(GNPTAB):c.2068dup (p.Gln690fs)

Gene: GNPTAB (N-acetylglucosamine-1-phosphate transferase subunits alpha and beta; minus strand). Cytogenetic location: 12q23.2.
Variant type: Duplication.
Coding change: c.2068dup on transcript NM_024312.5 (MANE Select); coding-DNA position 2068, one base duplicated (C; older notation c.2068dupC).
Protein change: p.Gln690fs; shifts the reading frame from glutamine 690.
Molecular consequence: frameshift variant.
Genome position (GRCh38, 1-based): chr12:101,764,849, G duplicated on the plus strand (C on the coding strand, the reverse complement: GNPTAB is on the minus strand); the first of 3 consecutive G bases (chr12:101,764,849-101,764,851); duplicating any one gives the same sequence. VCF-style (leftmost placement, unchanged base first): chr12-101764848-T-TG. GRCh37 (hg19) VCF-style: chr12-102158626-T-TG.
Other names: short protein forms Q690fs.
Identifiers: ClinVar variation 961601 (VCV000961601.7), dbSNP rs1953061755, ClinGen allele CA1139662831.